The following is an entry in ClinVar:

NM_021922.3(FANCE):c.1066A>G (p.Ser356Gly)

Gene: FANCE (FA complementation group E; plus strand). Cytogenetic location: 6p21.31.
Variant type: single nucleotide variant.
Coding change: c.1066A>G on transcript NM_021922.3 (MANE Select); coding-DNA position 1066, A replaced by G.
Protein change: p.Ser356Gly; replaces serine 356 with glycine.
Molecular consequence: missense variant.
Genome position (GRCh38, 1-based): chr6:35,458,393, A>G. VCF-style: chr6-35458393-A-G. GRCh37 (hg19) VCF-style: chr6-35426170-A-G.
Other names: short protein forms S356G.
Identifiers: ClinVar variation 929578 (VCV000929578.1), dbSNP rs1767439057, ClinGen allele CA363775296.

ClinVar aggregate classification (germline): Uncertain significance (0 of 4 stars; one submission).

Conditions:
Fanconi anemia complementation group E (FANCE). Also called: FANCE-Related Fanconi Anemia. Identifiers: Orphanet 84, MedGen C3160739, MONDO:0010953, OMIM 600901.

Allele frequency attached by ClinVar (database versions not stated): gnomAD exomes 0.00001.
gnomAD v4.1: 7 of 1,613,940 alleles (0.00043%); highest among the groups gnomAD compares: South Asian, 0.0011%; no homozygotes.

Submission:

Leiden Open Variation Database
Classification: Uncertain significance for Fanconi anemia complementation group E. Last evaluated: 2011-02-07. Review status: no assertion criteria provided. Collection method: curation. Allele origin: germline. Affected: yes.
Comment: Curator: Arleen D. Auerbach. Submitter to LOVD: Arleen D. Auerbach.